The following is an entry in ClinVar:

NM_198834.3(ACACA):c.1070G>A (p.Gly357Glu)

Gene: ACACA (acetyl-CoA carboxylase alpha; minus strand). Cytogenetic location: 17q12.
Variant type: single nucleotide variant.
Coding change: c.1070G>A on transcript NM_198834.3 (MANE Select); coding-DNA position 1070, G replaced by A.
Protein change: p.Gly357Glu; replaces glycine 357 with glutamic acid.
Molecular consequence: missense variant.
Genome position (GRCh38, 1-based): chr17:37,270,800, C>T on the plus strand (G>A on the coding strand, the complement: ACACA is on the minus strand). VCF-style: chr17-37270800-C-T. GRCh37 (hg19) VCF-style: chr17-35627691-C-T.
Other names: c.959G>A, p.Gly320Glu (NM_198836.3, NM_198839.3); c.785G>A, p.Gly262Glu (NM_198837.2); c.725G>A, p.Gly242Glu (NM_198838.2); short protein forms G242E, G320E, G262E, G357E.
Identifiers: ClinVar variation 2724104 (VCV002724104.3), dbSNP rs2546619124, ClinGen allele CA398750506.

ClinVar aggregate classification (germline): Uncertain significance (1 of 4 stars; one submission).

Submission:

Labcorp Genetics (formerly Invitae), Labcorp
Classification: Uncertain significance. Last evaluated: 2023-11-27. Review status: criteria provided, single submitter. Criteria: Invitae Variant Classification Sherloc (09022015). Collection method: clinical testing. Allele origin: germline.
Comment: This sequence change replaces glycine, which is neutral and non-polar, with glutamic acid, which is acidic and polar, at codon 320 of the ACACA protein (p.Gly320Glu). This variant is not present in population databases (gnomAD no frequency). This variant has not been reported in the literature in individuals affected with ACACA-related conditions. An algorithm developed to predict the effect of missense changes on protein structure and function (PolyPhen-2) suggests that this variant is likely to be disruptive. In summary, the available evidence is currently insufficient to determine the role of this variant in disease. Therefore, it has been classified as a Variant of Uncertain Significance.